The following is an entry in ClinVar:

ClinVar aggregate classification (germline): Uncertain significance (1 of 4 stars; one submission).

Conditions:
Familial cold autoinflammatory syndrome 2 (FCAS2). Identifiers: Orphanet 247868, MedGen C2673198, MONDO:0012724, OMIM 611762.

Allele frequency attached by ClinVar (database versions not stated): gnomAD exomes below 0.00001 and 0.00001; gnomAD 0.00001; ExAC 0.00002; 1000 Genomes Project 30x 0.00016; 1000 Genomes Project 0.00020.
gnomAD v4.1: 14 of 1,614,098 alleles (0.00087%); highest among the groups gnomAD compares: Non-Finnish European, 0.0012%; no homozygotes.

Submission:

Labcorp Genetics (formerly Invitae), Labcorp
Classification: Uncertain significance for Familial cold autoinflammatory syndrome 2. Last evaluated: 2021-10-22. Review status: criteria provided, single submitter. Criteria: Invitae Variant Classification Sherloc (09022015). Collection method: clinical testing. Allele origin: germline.
Comment: This sequence change replaces glutamic acid with lysine at codon 395 of the NLRP12 protein (p.Glu395Lys). The glutamic acid residue is highly conserved and there is a small physicochemical difference between glutamic acid and lysine. This variant is present in population databases (rs202133847, ExAC 0.003%). This variant has not been reported in the literature in individuals affected with NLRP12-related conditions. Algorithms developed to predict the effect of missense changes on protein structure and function (SIFT, PolyPhen-2, Align-GVGD) all suggest that this variant is likely to be disruptive. In summary, the available evidence is currently insufficient to determine the role of this variant in disease. Therefore, it has been classified as a Variant of Uncertain Significance.

NM_144687.4(NLRP12):c.1183G>A (p.Glu395Lys)

Gene: NLRP12 (NLR family pyrin domain containing 12; minus strand). Cytogenetic location: 19q13.42.
Variant type: single nucleotide variant.
Coding change: c.1183G>A on transcript NM_144687.4 (MANE Select); coding-DNA position 1183, G replaced by A.
Protein change: p.Glu395Lys; replaces glutamic acid 395 with lysine.
Molecular consequence: missense variant.
Genome position (GRCh38, 1-based): chr19:53,810,476, C>T on the plus strand (G>A on the coding strand, the complement: NLRP12 is on the minus strand). VCF-style: chr19-53810476-C-T. GRCh37 (hg19) VCF-style: chr19-54313730-C-T.
Other names: c.1183G>A, p.Glu395Lys (NM_001277126.2, NM_001277129.1); short protein forms E395K.
Identifiers: ClinVar variation 1513082 (VCV001513082.6), dbSNP rs202133847, ClinGen allele CA9639505.
Genomic context (GRCh38, chr19:53,810,476, plus strand): 5'-GGAGGCAGGTACACACCACCCAGCACACCAGGGGGACGAAGCACATGGTGAAGAGAGGCT[C>T]GTTGTCCCTCACGTAATTGAAGACTTGGCCCGCCTGCTCTGCATTGTGGAAATACTTGTA-3'
Protein context (NP_653288.1, residues 385-405): GQVFNYVRDN[Glu395Lys]PLFTMCFVPL